The following is an entry in ClinVar:

NM_000350.3(ABCA4):c.1099+10C>G

Gene: ABCA4 (ATP binding cassette subfamily A member 4; minus strand). Cytogenetic location: 1p22.1.
Variant type: single nucleotide variant.
Coding change: c.1099+10C>G on transcript NM_000350.3 (MANE Select); 10 bases into the intron after coding-DNA position 1099, C replaced by G.
Molecular consequence: intron variant.
Genome position (GRCh38, 1-based): chr1:94,080,468, G>C on the plus strand (C>G on the coding strand, the complement: ABCA4 is on the minus strand). VCF-style: chr1-94080468-G-C. GRCh37 (hg19) VCF-style: chr1-94546024-G-C.
Identifiers: ClinVar variation 1389874 (VCV001389874.6), dbSNP rs2101106468, ClinGen allele CA2573132733.
Genomic context (GRCh38, chr1:94,080,468, plus strand): 5'-CTAGAAGTGTTAAACCATCAACTTAACCAACATGAGAGGCCAATTTATAAGCAGGACTCA[G>C]AAAACTTACTTGTTCTTCTGTCATAAGAATAGATAGGATCCTTCCTTGTGGAGTCAATCC-3'

ClinVar aggregate classification (germline): Uncertain significance (1 of 4 stars; one submission).

Submission:

Labcorp Genetics (formerly Invitae), Labcorp
Classification: Uncertain significance. Last evaluated: 2021-10-28. Review status: criteria provided, single submitter. Criteria: Invitae Variant Classification Sherloc (09022015). Collection method: clinical testing. Allele origin: germline.
Comment: This sequence change falls in intron 8 of the ABCA4 gene. It does not directly change the encoded amino acid sequence of the ABCA4 protein. In summary, the available evidence is currently insufficient to determine the role of this variant in disease. Therefore, it has been classified as a Variant of Uncertain Significance. Algorithms developed to predict the effect of sequence changes on RNA splicing suggest that this variant may create or strengthen a splice site. This variant has not been reported in the literature in individuals affected with ABCA4-related conditions. This variant is not present in population databases (gnomAD no frequency).